The following is an entry in ClinVar:

ClinVar aggregate classification (germline): Uncertain significance (1 of 4 stars; one submission).

Conditions:
Immunodeficiency, common variable, 10. Also called: IMMUNODEFICIENCY, COMMON VARIABLE, WITH CENTRAL ADRENAL INSUFFICIENCY; DEFICIT IN ANTERIOR PITUITARY FUNCTION AND VARIABLE IMMUNODEFICIENCY. Identifiers: MedGen C3809991, MONDO:0014260, OMIM 615577.

Submission:

Labcorp Genetics (formerly Invitae), Labcorp
Classification: Uncertain significance for Immunodeficiency, common variable, 10. Last evaluated: 2022-05-19. Review status: criteria provided, single submitter. Criteria: Invitae Variant Classification Sherloc (09022015). Collection method: clinical testing. Allele origin: germline.
Comment: This sequence change creates a premature translational stop signal (p.Val240Alafs*5) in the NFKB2 gene. It is expected to result in an absent or disrupted protein product. However, the current clinical and genetic evidence is not sufficient to establish whether loss-of-function variants in NFKB2 cause disease. In summary, the available evidence is currently insufficient to determine the role of this variant in disease. Therefore, it has been classified as a Variant of Uncertain Significance. This variant has not been reported in the literature in individuals affected with NFKB2-related conditions. This variant is not present in population databases (gnomAD no frequency).

NM_001322934.2(NFKB2):c.719_720del (p.Val240fs)

Genes: NFKB2 (nuclear factor kappa B subunit 2; plus strand), LOC121815964 (Sharpr-MPRA regulatory region 13585; plus strand). Cytogenetic location: 10q24.32.
Variant type: Microsatellite.
Coding change: c.719_720del on transcript NM_001322934.2 (MANE Select); coding-DNA positions 719 to 720, 2 bases deleted (TG; older notation c.719_720delTG).
Protein change: p.Val240fs; shifts the reading frame from valine 240.
Molecular consequence: frameshift variant.
Genome position (GRCh38, 1-based): chr10:102,398,038-102,398,039, TG deleted; deleting any 2 consecutive bases within chr10:102,398,036-102,398,039 gives the same sequence; the c. name uses the placement nearest the transcript's 3' end. VCF-style (leftmost placement, unchanged base first): chr10-102398035-CTG-C. GRCh37 (hg19) VCF-style: chr10-104157792-CTG-C.
Other names: c.717_718TG[1], p.Val240Alafs (NM_001077493.1); c.719_720del, p.Val240fs (NM_001077494.3, NM_001261403.3, NM_001288724.1 and 2 more transcripts); short protein forms V240fs.
Identifiers: ClinVar variation 1996426 (VCV001996426.4), dbSNP rs2544582706, ClinGen allele CA2580616855.
Genomic context (GRCh38, chr10:102,398,035, plus strand): 5'-CCATAGAATCTCCGGGGGCATCAAACCTGAAGATTTCTCGAATGGACAAGACAGCAGGCT[CTG>C]TGCGGGGTGGAGATGAAGTTTATCTGCTTTGTGACAAGGTGCAGAAAGGTGAGACTGGAG-3'